The following is an entry in ClinVar:

NM_001378477.3(NYX):c.950_977del (p.Phe317fs)

Gene: NYX (nyctalopin; plus strand). Cytogenetic location: Xp11.4.
Variant type: Deletion.
Coding change: c.950_977del on transcript NM_001378477.3 (MANE Select); coding-DNA positions 950 to 977, 28 bases deleted (TCCAGCCCGGCTTCTTCCTGGGCCGCCT).
Protein change: p.Phe317fs; shifts the reading frame from phenylalanine 317.
Molecular consequence: frameshift variant.
Genome position (GRCh38, 1-based): chrX:41,474,418-41,474,445, TCCAGCCCGGCTTCTTCCTGGGCCGCCT deleted; deleting any 28 consecutive bases within chrX:41,474,413-41,474,445 gives the same sequence; the c. name uses the placement nearest the transcript's 3' end. VCF-style (leftmost placement, unchanged base first): chrX-41474412-TCGCCTTCCAGCCCGGCTTCTTCCTGGGC-T. GRCh37 (hg19) VCF-style: chrX-41333665-TCGCCTTCCAGCCCGGCTTCTTCCTGGGC-T.
Other names: c.950_977del, p.Phe317fs (NM_022567.3); short protein forms F317fs.
Identifiers: ClinVar variation 1403748 (VCV001403748.6), dbSNP rs2147026251, ClinGen allele CA2573158857.

ClinVar aggregate classification (germline): Pathogenic (1 of 4 stars; one submission).

Submission:

Labcorp Genetics (formerly Invitae), Labcorp
Classification: Pathogenic. Last evaluated: 2022-02-18. Review status: criteria provided, single submitter. Criteria: Invitae Variant Classification Sherloc (09022015). Collection method: clinical testing. Allele origin: germline.
Comment: This variant is not present in population databases (gnomAD no frequency). For these reasons, this variant has been classified as Pathogenic. This variant disrupts a region of the NYX protein in which other variant(s) (p.Cys362*) have been determined to be pathogenic (Invitae). This suggests that this is a clinically significant region of the protein, and that variants that disrupt it are likely to be disease-causing. Experimental studies and prediction algorithms are not available or were not evaluated, and the functional significance of this variant is currently unknown. This premature translational stop signal has been observed in individual(s) with clinical features of night blindness (Invitae). This sequence change creates a premature translational stop signal (p.Phe322Serfs*17) in the NYX gene. While this is not anticipated to result in nonsense mediated decay, it is expected to disrupt the last 160 amino acid(s) of the NYX protein.